The following is an entry in ClinVar:

NM_020922.5(WNK3):c.3991T>A (p.Ser1331Thr)

Gene: WNK3 (WNK lysine deficient protein kinase 3; minus strand). Cytogenetic location: Xp11.22.
Variant type: single nucleotide variant.
Coding change: c.3991T>A on transcript NM_020922.5 (MANE Select); coding-DNA position 3991, T replaced by A.
Protein change: p.Ser1331Thr; replaces serine 1331 with threonine.
Molecular consequence: missense variant.
Genome position (GRCh38, 1-based): chrX:54,238,365, A>T on the plus strand (T>A on the coding strand, the complement: WNK3 is on the minus strand). VCF-style: chrX-54238365-A-T. GRCh37 (hg19) VCF-style: chrX-54264798-A-T.
Other names: c.3850T>A, p.Ser1284Thr (NM_001002838.4, NM_001395166.1); short protein forms S1284T, S1331T.
Identifiers: ClinVar variation 4822409 (VCV004822409.4).

ClinVar aggregate classification (germline): Uncertain significance (1 of 4 stars; one submission).

Submission:

CeGaT Center for Human Genetics Tuebingen
Classification: Uncertain significance. Last evaluated: 2026-02-01. Review status: criteria provided, single submitter. Criteria: CeGaT Center For Human Genetics Tuebingen Variant Classification Criteria Version 2. Collection method: clinical testing. Allele origin: germline. Affected: yes. Observed: 1 variant allele.
Comment: WNK3: PM2, BP4